The following is an entry in ClinVar:

NM_004168.4(SDHA):c.1037C>G (p.Ser346Cys)

Gene: SDHA (succinate dehydrogenase complex flavoprotein subunit A; plus strand). Cytogenetic location: 5p15.33.
Variant type: single nucleotide variant.
Coding change: c.1037C>G on transcript NM_004168.4 (MANE Select); coding-DNA position 1037, C replaced by G.
Protein change: p.Ser346Cys; replaces serine 346 with cysteine.
Molecular consequence: missense variant.
Genome position (GRCh38, 1-based): chr5:233,618, C>G. VCF-style: chr5-233618-C-G. GRCh37 (hg19) VCF-style: chr5-233733-C-G.
Other names: c.1037C>G (NM_004168.2); c.893C>G, p.Ser298Cys (NM_001294332.2); c.1037C>G, p.Ser346Cys (NM_001330758.2); short protein forms S298C, S346C.
Identifiers: ClinVar variation 1059446 (VCV001059446.10), dbSNP rs1041948, ClinGen allele CA112824588.

ClinVar aggregate classification (germline): Uncertain significance. Review status: criteria provided, multiple submitters, no conflicts (2 of 4 stars). 2 submissions from 2 submitters: Uncertain significance (2). Last evaluated 2022-12-17.

Conditions:
Hereditary cancer-predisposing syndrome. Also called: Tumor predisposition; Hereditary neoplastic syndrome; Neoplastic Syndromes, Hereditary; Hereditary Cancer Syndrome. Identifiers: Orphanet 140162, MedGen C0027672, MeSH D009386, MONDO:0015356.
Mitochondrial complex II deficiency, nuclear type 1. Also called: SUCCINATE CoQ REDUCTASE DEFICIENCY. Identifiers: Orphanet 3208, MedGen C5700310, MONDO:0100294, OMIM 252011.
Pheochromocytoma/paraganglioma syndrome 5. Also called: Paragangliomas 5; SDHA-Related Hereditary Paraganglioma-Pheochromocytoma Syndrome. Identifiers: Orphanet 29072, MedGen C3279992, MONDO:0013602, OMIM 614165.

Submissions (2):

Ambry Genetics
Classification: Uncertain significance for Hereditary cancer-predisposing syndrome. Last evaluated: 2022-12-17. Review status: criteria provided, single submitter. Criteria: Ambry Variant Classification Scheme 2023. Collection method: clinical testing. Allele origin: germline.
Comment: The p.S346C variant (also known as c.1037C>G), located in coding exon 8 of the SDHA gene, results from a C to G substitution at nucleotide position 1037. The serine at codon 346 is replaced by cysteine, an amino acid with dissimilar properties. This amino acid position is conserved. In addition, the in silico prediction for this alteration is inconclusive. Since supporting evidence is limited at this time, the clinical significance of this alteration remains unclear.

Labcorp Genetics (formerly Invitae), Labcorp
Classification: Uncertain significance for Pheochromocytoma/paraganglioma syndrome 5; Mitochondrial complex II deficiency, nuclear type 1. Last evaluated: 2020-09-01. Review status: criteria provided, single submitter. Criteria: Invitae Variant Classification Sherloc (09022015). Collection method: clinical testing. Allele origin: germline.
Comment: This variant is not present in population databases (ExAC no frequency). In summary, the available evidence is currently insufficient to determine the role of this variant in disease. Therefore, it has been classified as a Variant of Uncertain Significance. Advanced modeling of protein sequence and biophysical properties (such as structural, functional, and spatial information, amino acid conservation, physicochemical variation, residue mobility, and thermodynamic stability) performed at Invitae indicates that this missense variant is not expected to disrupt SDHA protein function. This variant has not been reported in the literature in individuals with SDHA-related conditions. This sequence change replaces serine with cysteine at codon 346 of the SDHA protein (p.Ser346Cys). The serine residue is moderately conserved and there is a moderate physicochemical difference between serine and cysteine.